The following is an entry in ClinVar:

ClinVar aggregate classification (germline): Uncertain significance (1 of 4 stars; one submission).

Allele frequency attached by ClinVar (database versions not stated): gnomAD 0.00001; gnomAD exomes 0.00001; TOPMed 0.00001.
gnomAD v4.1: 10 of 1,612,028 alleles (0.00062%); highest among the groups gnomAD compares: African/African-American, 0.0013%; no homozygotes.

Submission:

Labcorp Genetics (formerly Invitae), Labcorp
Classification: Uncertain significance. Last evaluated: 2022-03-13. Review status: criteria provided, single submitter. Criteria: Invitae Variant Classification Sherloc (09022015). Collection method: clinical testing. Allele origin: germline.
Comment: In summary, the available evidence is currently insufficient to determine the role of this variant in disease. Therefore, it has been classified as a Variant of Uncertain Significance. Algorithms developed to predict the effect of missense changes on protein structure and function are either unavailable or do not agree on the potential impact of this missense change (SIFT: "Tolerated"; PolyPhen-2: "Probably Damaging"; Align-GVGD: "Class C0"). This variant has not been reported in the literature in individuals affected with SBF1-related conditions. This variant is present in population databases (no rsID available, gnomAD 0.01%). This sequence change replaces lysine, which is basic and polar, with glutamine, which is neutral and polar, at codon 1705 of the SBF1 protein (p.Lys1705Gln).

NM_002972.4(SBF1):c.5113A>C (p.Lys1705Gln)

Gene: SBF1 (SET binding factor 1; minus strand). Cytogenetic location: 22q13.33.
Variant type: single nucleotide variant.
Coding change: c.5113A>C on transcript NM_002972.4 (MANE Select); coding-DNA position 5113, A replaced by C.
Protein change: p.Lys1705Gln; replaces lysine 1705 with glutamine.
Molecular consequence: missense variant.
Genome position (GRCh38, 1-based): chr22:50,448,581, T>G on the plus strand (A>C on the coding strand, the complement: SBF1 is on the minus strand). VCF-style: chr22-50448581-T-G. GRCh37 (hg19) VCF-style: chr22-50887010-T-G.
Other names: c.5038A>C, p.Lys1680Gln (NM_001365819.1); c.5116A>C, p.Lys1706Gln (NM_001410794.1); c.5035A>C, p.Lys1679Gln (NM_001410795.1); c.5113A>C, p.Lys1705Gln (NM_197971.1); short protein forms K1680Q, K1679Q, K1706Q, K1705Q.
Identifiers: ClinVar variation 2200743 (VCV002200743.2), dbSNP rs1363779856, ClinGen allele CA412187843.